The following is an entry in ClinVar:

ClinVar aggregate classification (germline): Conflicting classifications of pathogenicity. Review status: criteria provided, conflicting classifications (1 of 4 stars). 2 submissions from 2 submitters: Uncertain significance (1); Likely benign (1). Last evaluated 2024-02-15.

Conditions:
Alpha thalassemia-X-linked intellectual disability syndrome (ATRX). Also called: ALPHA-THALASSEMIA/MENTAL RETARDATION SYNDROME, X-LINKED; ATR, NONDELETION TYPE; ATR-X syndrome; Alpha thalassemia mental retardation syndrome, nondeletion type, X-linked; XLMR hypotonic face syndrome; X-linked alpha-thalassemia-mental retardation syndrome. Identifiers: Orphanet 847, MedGen C1845055, MONDO:0010519, OMIM 301040.

Allele frequency attached by ClinVar (database versions not stated): ExAC 0.00002; gnomAD exomes below 0.00001; TOPMed 0.00001.
gnomAD v4.1: 3 of 1,210,051 alleles (0.00025%); highest among the groups gnomAD compares: Admixed American, 0.0065%; no homozygotes.

Submissions (2):

GeneDx
Classification: Uncertain significance. Last evaluated: 2024-02-15. Review status: criteria provided, single submitter. Criteria: GeneDx Variant Classification Process June 2021. Collection method: clinical testing. Allele origin: germline. Affected: yes.
Comment: In silico analysis supports that this missense variant does not alter protein structure/function; Has not been previously published as pathogenic or benign to our knowledge

Labcorp Genetics (formerly Invitae), Labcorp
Classification: Likely benign for Alpha thalassemia-X-linked intellectual disability syndrome. Last evaluated: 2023-08-28. Review status: criteria provided, single submitter. Criteria: Invitae Variant Classification Sherloc (09022015). Collection method: clinical testing. Allele origin: germline.

NM_000489.6(ATRX):c.2282A>G (p.His761Arg)

Gene: ATRX (ATRX chromatin remodeler; minus strand). Cytogenetic location: Xq21.1.
Variant type: single nucleotide variant.
Coding change: c.2282A>G on transcript NM_000489.6 (MANE Select); coding-DNA position 2282, A replaced by G.
Protein change: p.His761Arg; replaces histidine 761 with arginine.
Molecular consequence: missense variant.
Genome position (GRCh38, 1-based): chrX:77,682,974, T>C on the plus strand (A>G on the coding strand, the complement: ATRX is on the minus strand). VCF-style: chrX-77682974-T-C. GRCh37 (hg19) VCF-style: chrX-76938466-T-C.
Other names: c.2168A>G, p.His723Arg (NM_138270.5); c.2282A>G (NM_000489.3); short protein forms H723R, H761R.
Identifiers: ClinVar variation 1980806 (VCV001980806.5), dbSNP rs782493929, ClinGen allele CA10458104.